The following is an entry in ClinVar:

ClinVar aggregate classification (germline): Pathogenic. Review status: criteria provided, multiple submitters, no conflicts (2 of 4 stars). 4 submissions from 4 submitters: Pathogenic (3). 1 of the submissions does not count toward it. Last evaluated 2025-01-10.

Conditions:
Tuberous sclerosis syndrome (TSC). Also called: Tuberous sclerosis; Tuberous Sclerosis Complex. Identifiers: Orphanet 805, MedGen C0041341, MONDO:0001734.
Tuberous sclerosis 1 (TSC1). Identifiers: Orphanet 805, MedGen C1854465, MONDO:0008612, OMIM 191100.

Submissions (4):

Department of Neurology, Zibo Changguo Hospital
Classification: Pathogenic for Tuberous sclerosis 1. Last evaluated: 2025-01-10. Review status: criteria provided, single submitter. Criteria: ACMG Guidelines, 2015. Collection method: clinical testing. Allele origin: maternal. Inheritance: Autosomal dominant inheritance. Affected: yes.
Comment: PVS1, PS4_Supporting, PM2_Supporting

GeneDx
Classification: Pathogenic. Last evaluated: 2022-05-05. Review status: criteria provided, single submitter. Criteria: GeneDx Variant Classification Process June 2021. Collection method: clinical testing. Allele origin: germline. Affected: yes.
Comment: Nonsense variant predicted to result in protein truncation or nonsense mediated decay in a gene for which loss of function is a known mechanism of disease; Not observed at significant frequency in large population cohorts (gnomAD); This variant is associated with the following publications: (PMID: 25525159, 15798777, 29932062)

Labcorp Genetics (formerly Invitae), Labcorp
Classification: Pathogenic for Tuberous sclerosis 1. Last evaluated: 2019-01-08. Review status: criteria provided, single submitter. Criteria: Invitae Variant Classification Sherloc (09022015). Collection method: clinical testing. Allele origin: germline.
Comment: For these reasons, this variant has been classified as Pathogenic. Loss-of-function variants in TSC1 are known to be pathogenic (PMID: 10227394, 17304050). This variant has been observed in individuals affected with tuberous sclerosis complex (PMID: 29932062). ClinVar contains an entry for this variant (Variation ID: 64701). This variant is not present in population databases (ExAC no frequency). This sequence change creates a premature translational stop signal (p.Gln109*) in the TSC1 gene. It is expected to result in an absent or disrupted protein product.

Tuberous sclerosis database (TSC1)
No classification provided. Condition: TSC. Review status: no classification provided. Criteria: Tuberous Sclerosis Database Assertion Criteria 2015. Collection method: curation. Allele origin: germline. Affected: yes. Not counted in ClinVar's aggregate classification.

Literature cited by the submitters: PubMed 10227394 (cited by Labcorp Genetics (formerly Invitae), Labcorp); PubMed 17304050 (cited by Labcorp Genetics (formerly Invitae), Labcorp); PubMed 29932062 (cited by Labcorp Genetics (formerly Invitae), Labcorp).

NM_000368.5(TSC1):c.325C>T (p.Gln109Ter)

Gene: TSC1 (TSC complex subunit 1; minus strand). Cytogenetic location: 9q34.13.
Variant type: single nucleotide variant.
Coding change: c.325C>T on transcript NM_000368.5 (MANE Select); coding-DNA position 325, C replaced by T.
Protein change: p.Gln109Ter; replaces glutamine 109 with a stop codon.
Molecular consequence: nonsense. On other transcripts: 5 prime UTR variant (1), intron variant (1).
Genome position (GRCh38, 1-based): chr9:132,925,625, G>A on the plus strand (C>T on the coding strand, the complement: TSC1 is on the minus strand). VCF-style: chr9-132925625-G-A. GRCh37 (hg19) VCF-style: chr9-135801012-G-A.
Other names: c.325C>T, p.Gln109Ter (NM_001162426.2); c.-39C>T (NM_001362177.2); c.210+1576C>T (NM_001162427.2); short protein forms Q109*.
Identifiers: ClinVar variation 64701 (VCV000064701.12), dbSNP rs397514774, ClinGen allele CA007276.